The following is an entry in ClinVar:

NM_000444.6(PHEX):c.943_946del (p.Leu315fs)

Gene: PHEX (phosphate regulating endopeptidase X-linked; plus strand). Cytogenetic location: Xp22.11.
Variant type: Microsatellite.
Coding change: c.943_946del on transcript NM_000444.6 (MANE Select); coding-DNA positions 943 to 946, 4 bases deleted (CTGG; older notation c.943_946delCTGG).
Protein change: p.Leu315fs; shifts the reading frame from leucine 315.
Molecular consequence: frameshift variant.
Genome position (GRCh38, 1-based): chrX:22,099,015-22,099,018, CTGG deleted; deleting any 4 consecutive bases within chrX:22,099,011-22,099,018 gives the same sequence; the c. name uses the placement nearest the transcript's 3' end. VCF-style (leftmost placement, unchanged base first): chrX-22099010-ACTGG-A. GRCh37 (hg19) VCF-style: chrX-22117128-ACTGG-A.
Other names: c.943_946del, p.Leu315fs (NM_001282754.2); short protein forms L315fs.
Identifiers: ClinVar variation 1437415 (VCV001437415.6), dbSNP rs2147047042, ClinGen allele CA2580616902.

ClinVar aggregate classification (germline): Pathogenic (1 of 4 stars; one submission).

Submission:

Labcorp Genetics (formerly Invitae), Labcorp
Classification: Pathogenic. Last evaluated: 2021-07-01. Review status: criteria provided, single submitter. Criteria: Invitae Variant Classification Sherloc (09022015). Collection method: clinical testing. Allele origin: germline.
Comment: This sequence change creates a premature translational stop signal (p.Leu315Alafs*15) in the PHEX gene. It is expected to result in an absent or disrupted protein product. Loss-of-function variants in PHEX are known to be pathogenic (PMID: 9097956, 9106524, 19219621). This variant is not present in population databases (ExAC no frequency). This variant has not been reported in the literature in individuals affected with PHEX-related conditions. For these reasons, this variant has been classified as Pathogenic.

Literature cited by the submitters: PubMed 9097956; PubMed 9106524; PubMed 19219621.